The following is an entry in ClinVar:

NM_003394.4(WNT10B):c.265G>A (p.Asp89Asn)

Gene: WNT10B (Wnt family member 10B; minus strand). Cytogenetic location: 12q13.12.
Variant type: single nucleotide variant.
Coding change: c.265G>A on transcript NM_003394.4 (MANE Select); coding-DNA position 265, G replaced by A.
Protein change: p.Asp89Asn; replaces aspartic acid 89 with asparagine.
Molecular consequence: missense variant.
Genome position (GRCh38, 1-based): chr12:48,970,161, C>T on the plus strand (G>A on the coding strand, the complement: WNT10B is on the minus strand). VCF-style: chr12-48970161-C-T. GRCh37 (hg19) VCF-style: chr12-49363944-C-T.
Other names: short protein forms D89N.
Identifiers: ClinVar variation 2578248 (VCV002578248.1), dbSNP rs536024641, ClinGen allele CA6544214.

ClinVar aggregate classification (germline): Uncertain significance (1 of 4 stars; one submission).

Allele frequency attached by ClinVar (database versions not stated): TOPMed below 0.00001; ExAC 0.00015; 1000 Genomes Project 30x 0.00016; 1000 Genomes Project 0.00020.

Submission:

GeneDx
Classification: Uncertain significance. Last evaluated: 2023-02-27. Review status: criteria provided, single submitter. Criteria: GeneDx Variant Classification Process June 2021. Collection method: clinical testing. Allele origin: germline. Affected: yes.
Comment: Reported as heterozygous in a patient with tricho-odonto-onycho-dermal dysplasia with multiple missing teeth; however, the patient also harbored a homozygous WNT10A variant (Kantaputra et al., 2018); In silico analysis supports that this missense variant does not alter protein structure/function; This variant is associated with the following publications: (PMID: 29364501)